The following is an entry in ClinVar:

ClinVar aggregate classification (germline): Uncertain significance. Review status: criteria provided, multiple submitters, no conflicts (2 of 4 stars). 2 submissions from 2 submitters: Uncertain significance (2). Last evaluated 2025-07-14.

Conditions:
Inborn genetic diseases. Identifiers: MedGen C0950123, MeSH D030342.
Microcephaly-intellectual disability-sensorineural hearing loss-epilepsy-abnormal muscle tone syndrome (NEDHSB). Also called: NEURODEVELOPMENTAL DISORDER WITH HEARING LOSS, SEIZURES, AND BRAIN ABNORMALITIES. Identifiers: Orphanet 457351, MedGen C4225276, MONDO:0014698, OMIM 616577.

gnomAD v4.1: 11 of 1,612,226 alleles (0.00068%); highest among the groups gnomAD compares: East Asian, 0.011%; no homozygotes.

Submissions (2):

Labcorp Genetics (formerly Invitae), Labcorp
Classification: Uncertain significance for Microcephaly-intellectual disability-sensorineural hearing loss-epilepsy-abnormal muscle tone syndrome. Last evaluated: 2025-07-14. Review status: criteria provided, single submitter. Criteria: Invitae Variant Classification Sherloc (09022015). Collection method: clinical testing. Allele origin: germline.
Comment: This sequence change replaces methionine, which is neutral and non-polar, with threonine, which is neutral and polar, at codon 153 of the SPATA5 protein (p.Met153Thr). This variant is present in population databases (rs375957621, gnomAD 0.0009%). This variant has not been reported in the literature in individuals affected with SPATA5-related conditions. Invitae Evidence Modeling of protein sequence and biophysical properties (such as structural, functional, and spatial information, amino acid conservation, physicochemical variation, residue mobility, and thermodynamic stability) indicates that this missense variant is not expected to disrupt SPATA5 protein function with a negative predictive value of 95%. In summary, the available evidence is currently insufficient to determine the role of this variant in disease. Therefore, it has been classified as a Variant of Uncertain Significance.

Ambry Genetics
Classification: Uncertain significance for Inborn genetic diseases. Last evaluated: 2025-06-18. Review status: criteria provided, single submitter. Criteria: Ambry Variant Classification Scheme 2023. Collection method: clinical testing. Allele origin: germline.

NM_145207.3(AFG2A):c.458T>C (p.Met153Thr)

Gene: AFG2A (AAA ATPase AFG2A; plus strand). Cytogenetic location: 4q28.1.
Variant type: single nucleotide variant.
Coding change: c.458T>C on transcript NM_145207.3 (MANE Select); coding-DNA position 458, T replaced by C.
Protein change: p.Met153Thr; replaces methionine 153 with threonine.
Molecular consequence: missense variant.
Genome position (GRCh38, 1-based): chr4:122,933,450, T>C. VCF-style: chr4-122933450-T-C. GRCh37 (hg19) VCF-style: chr4-123854605-T-C.
Other names: c.455T>C, p.Met152Thr (NM_001437913.1, NM_001317799.2, NM_001345856.2); c.458T>C, p.Met153Thr (NM_001438322.1); short protein forms M152T, M153T.
Identifiers: ClinVar variation 4248169 (VCV004248169.2).